The following is an entry in ClinVar:

NM_005477.3(HCN4):c.1967C>T (p.Ser656Phe)

Gene: HCN4 (hyperpolarization activated cyclic nucleotide gated potassium channel 4; minus strand). Cytogenetic location: 15q24.1.
Variant type: single nucleotide variant.
Coding change: c.1967C>T on transcript NM_005477.3 (MANE Select); coding-DNA position 1967, C replaced by T.
Protein change: p.Ser656Phe; replaces serine 656 with phenylalanine.
Molecular consequence: missense variant.
Genome position (GRCh38, 1-based): chr15:73,324,966, G>A on the plus strand (C>T on the coding strand, the complement: HCN4 is on the minus strand). VCF-style: chr15-73324966-G-A. GRCh37 (hg19) VCF-style: chr15-73617307-G-A.
Other names: short protein forms S656F.
Identifiers: ClinVar variation 4709589 (VCV004709589.1).

ClinVar aggregate classification (germline): Uncertain significance (1 of 4 stars; one submission).

Conditions:
Brugada syndrome 8 (BRGDA8). Identifiers: Orphanet 130, MedGen C2751083, MONDO:0013148, OMIM 613123.

Submission:

Labcorp Genetics (formerly Invitae), Labcorp
Classification: Uncertain significance for Brugada syndrome 8. Last evaluated: 2025-08-25. Review status: criteria provided, single submitter. Criteria: Invitae Variant Classification Sherloc (09022015). Collection method: clinical testing. Allele origin: germline.
Comment: This sequence change replaces serine, which is neutral and polar, with phenylalanine, which is neutral and non-polar, at codon 656 of the HCN4 protein (p.Ser656Phe). This variant is not present in population databases (gnomAD no frequency). This variant has not been reported in the literature in individuals affected with HCN4-related conditions. Invitae Evidence Modeling of protein sequence and biophysical properties (such as structural, functional, and spatial information, amino acid conservation, physicochemical variation, residue mobility, and thermodynamic stability) indicates that this missense variant is expected to disrupt HCN4 protein function with a positive predictive value of 95%. In summary, the available evidence is currently insufficient to determine the role of this variant in disease. Therefore, it has been classified as a Variant of Uncertain Significance.